The following is an entry in ClinVar:

NM_006904.7(PRKDC):c.6208-2A>C

Gene: PRKDC (protein kinase, DNA-activated, catalytic subunit; minus strand). Cytogenetic location: 8q11.21.
Variant type: single nucleotide variant.
Coding change: c.6208-2A>C on transcript NM_006904.7 (MANE Select); the canonical splice acceptor site of the intron before coding-DNA position 6208, A replaced by C.
Molecular consequence: splice acceptor variant.
Genome position (GRCh38, 1-based): chr8:47,858,988, T>G on the plus strand (A>C on the coding strand, the complement: PRKDC is on the minus strand). VCF-style: chr8-47858988-T-G. GRCh37 (hg19) VCF-style: chr8-48771549-T-G.
Other names: c.6208-2A>C (NM_001081640.2).
Identifiers: ClinVar variation 2021945 (VCV002021945.4), dbSNP rs2551870112, ClinGen allele CA371161107.
Genomic context (GRCh38, chr8:47,858,988, plus strand): 5'-TTGAGCTCGTCCATCTCCAGCTCCAGCACATCATCATGCACCGTGGGGTCCCGCTGCTCC[T>G]GCGAAAGGGAGGGCCCAGGAGAGCAGAGGGTACAGTTAACATTCAGTGGACAAGGCAGTG-3'

ClinVar aggregate classification (germline): Uncertain significance (1 of 4 stars; one submission).

Conditions:
Severe combined immunodeficiency due to DNA-PKcs deficiency. Also called: IMMUNODEFICIENCY 26 WITH NEUROLOGIC ABNORMALITIES; Immunodeficiency 26 with or without neurologic abnormalities. Identifiers: Orphanet 317425, MedGen C4014833, MONDO:0014423, OMIM 615966.

Submission:

Labcorp Genetics (formerly Invitae), Labcorp
Classification: Uncertain significance for Severe combined immunodeficiency due to DNA-PKcs deficiency. Last evaluated: 2022-08-05. Review status: criteria provided, single submitter. Criteria: Invitae Variant Classification Sherloc (09022015). Collection method: clinical testing. Allele origin: germline.
Comment: In summary, the available evidence is currently insufficient to determine the role of this variant in disease. Therefore, it has been classified as a Variant of Uncertain Significance. Algorithms developed to predict the effect of sequence changes on RNA splicing suggest that this variant may disrupt the consensus splice site. This variant has not been reported in the literature in individuals affected with PRKDC-related conditions. This variant is not present in population databases (gnomAD no frequency). This sequence change affects a splice site in intron 46 of the PRKDC gene. It is expected to disrupt RNA splicing. Variants that disrupt the donor or acceptor splice site typically lead to a loss of protein function (PMID: 16199547), however the current clinical and genetic evidence is not sufficient to establish whether loss-of-function variants in PRKDC cause disease.

Literature cited by the submitters: PubMed 16199547.